The following is an entry in ClinVar:

NM_001379200.1(TBX1):c.101G>A (p.Gly34Glu)

Gene: TBX1 (T-box transcription factor 1; plus strand). Cytogenetic location: 22q11.21.
Variant type: single nucleotide variant.
Coding change: c.101G>A on transcript NM_001379200.1 (MANE Select); coding-DNA position 101, G replaced by A.
Protein change: p.Gly34Glu; replaces glycine 34 with glutamic acid.
Molecular consequence: missense variant.
Genome position (GRCh38, 1-based): chr22:19,760,944, G>A. VCF-style: chr22-19760944-G-A. GRCh37 (hg19) VCF-style: chr22-19748467-G-A.
Other names: c.74G>A, p.Gly25Glu (NM_005992.1, NM_080646.2, NM_080647.1); short protein forms G25E, G34E.
Identifiers: ClinVar variation 1759209 (VCV001759209.2), dbSNP rs1335862067, ClinGen allele CA410681153.

ClinVar aggregate classification (germline): Uncertain significance (1 of 4 stars; one submission).

Conditions:
Cardiovascular phenotype. Identifiers: MedGen CN230736.

Allele frequency attached by ClinVar (database versions not stated): gnomAD exomes 0.00004.
gnomAD v4.1: 1 of 1,003,602 alleles (0.0001%); highest among the groups gnomAD compares: Non-Finnish European, 0.00012%; no homozygotes.

Submission:

Ambry Genetics
Classification: Uncertain significance for Cardiovascular phenotype. Last evaluated: 2021-11-19. Review status: criteria provided, single submitter. Criteria: Ambry Variant Classification Scheme 2023. Collection method: clinical testing. Allele origin: germline.
Comment: The p.G25E variant (also known as c.74G>A), located in coding exon 2 of the TBX1 gene, results from a G to A substitution at nucleotide position 74. The glycine at codon 25 is replaced by glutamic acid, an amino acid with similar properties. This amino acid position is conserved. In addition, the in silico prediction for this alteration is inconclusive. Since supporting evidence is limited at this time, the clinical significance of this alteration remains unclear.